The following is an entry in ClinVar:

NM_000222.3(KIT):c.338-11T>C

Gene: KIT (KIT proto-oncogene, receptor tyrosine kinase; plus strand). Cytogenetic location: 4q12.
Variant type: single nucleotide variant.
Coding change: c.338-11T>C on transcript NM_000222.3 (MANE Select); 11 bases into the intron before coding-DNA position 338, T replaced by C.
Molecular consequence: intron variant.
Genome position (GRCh38, 1-based): chr4:54,698,273, T>C. VCF-style: chr4-54698273-T-C. GRCh37 (hg19) VCF-style: chr4-55564439-T-C.
Other names: c.338-11T>C (NM_001385284.1, NM_001385290.1, NM_001385288.1 and 4 more transcripts).
Identifiers: ClinVar variation 1897358 (VCV001897358.5), dbSNP rs1325259835, ClinGen allele CA796351914.

ClinVar aggregate classification (germline): Uncertain significance (1 of 4 stars; one submission).

Conditions:
Gastrointestinal stromal tumor. Also called: Gastrointestinal stromal tumor, somatic; Gastrointestinal stroma tumor. Identifiers: Orphanet 44890, MedGen C0238198, MeSH D046152, MONDO:0011719, OMIM 606764, HP:0100723.

Allele frequency attached by ClinVar (database versions not stated): TOPMed below 0.00001; gnomAD 0.00001.
gnomAD v4.1: 1 of 1,612,642 alleles (0.000062%); highest among the groups gnomAD compares: African/African-American, 0.0013%; no homozygotes.

Submission:

Labcorp Genetics (formerly Invitae), Labcorp
Classification: Uncertain significance for Gastrointestinal stromal tumor. Last evaluated: 2022-05-26. Review status: criteria provided, single submitter. Criteria: Invitae Variant Classification Sherloc (09022015). Collection method: clinical testing. Allele origin: germline.
Comment: Algorithms developed to predict the effect of sequence changes on RNA splicing suggest that this variant may create or strengthen a splice site. In summary, the available evidence is currently insufficient to determine the role of this variant in disease. Therefore, it has been classified as a Variant of Uncertain Significance. This variant has not been reported in the literature in individuals affected with KIT-related conditions. This variant is not present in population databases (gnomAD no frequency). This sequence change falls in intron 2 of the KIT gene. It does not directly change the encoded amino acid sequence of the KIT protein.